The following is an entry in ClinVar:

NM_201384.3(PLEC):c.2477A>G (p.Asp826Gly)

Gene: PLEC (plectin; minus strand). Cytogenetic location: 8q24.3.
Variant type: single nucleotide variant.
Coding change: c.2477A>G on transcript NM_201384.3 (MANE Select); coding-DNA position 2477, A replaced by G.
Protein change: p.Asp826Gly; replaces aspartic acid 826 with glycine.
Molecular consequence: missense variant.
Genome position (GRCh38, 1-based): chr8:143,930,279, T>C on the plus strand (A>G on the coding strand, the complement: PLEC is on the minus strand). VCF-style: chr8-143930279-T-C. GRCh37 (hg19) VCF-style: chr8-145004447-T-C.
Other names: p.Asp853Gly; c.2558A>G, p.Asp853Gly (NM_000445.5); c.2435A>G, p.Asp812Gly (NM_201378.4); c.2411A>G, p.Asp804Gly (NM_201379.3); c.2888A>G, p.Asp963Gly (NM_201380.4); c.2381A>G, p.Asp794Gly (NM_201381.3); c.2477A>G, p.Asp826Gly (NM_201382.4); c.2489A>G, p.Asp830Gly (NM_201383.3); short protein forms D826G, D963G, D812G, D830G, D853G, D794G, D804G.
Identifiers: ClinVar variation 281849 (VCV000281849.29), dbSNP rs369344419, ClinGen allele CA4927503.

ClinVar aggregate classification (germline): Conflicting classifications of pathogenicity. Review status: criteria provided, conflicting classifications (1 of 4 stars). 7 submissions from 7 submitters: Uncertain significance (4); Likely benign (3). Last evaluated 2026-06-01.

Conditions:
Epidermolysis bullosa simplex, Ogna type (EBS5A). Also called: Pidermolysis bullosa simplex 5A, Ogna type; EPIDERMOLYSIS BULLOSA SIMPLEX 5A, OGNA TYPE. Identifiers: Orphanet 79401, MedGen C0432317, MONDO:0007555, OMIM 131950.
Epidermolysis bullosa simplex with nail dystrophy (EBS5D). Identifiers: MedGen C4225309, MONDO:0014661, OMIM 616487.
Autosomal recessive limb-girdle muscular dystrophy type 2Q (LGMDR17). Also called: MUSCULAR DYSTROPHY, LIMB-GIRDLE, AUTOSOMAL RECESSIVE 17. Identifiers: Orphanet 254361, MedGen C3150989, MONDO:0013390, OMIM 613723.
Epidermolysis bullosa simplex 5C, with pyloric atresia (EBS5C). Also called: Epidermolysis bullosa simplex with pyloric atresia; PLEC1-Related Epidermolysis Bullosa with Pyloric Atresia; PLEC-Related Epidermolysis Bullosa with Pyloric Atresia. Identifiers: Orphanet 158684, MedGen C2677349, MONDO:0012807, OMIM 612138.
Epidermolysis bullosa simplex 5B, with muscular dystrophy (EBS5B). Also called: Epidermolysis bullosa simplex with muscular dystrophy; EPIDERMOLYSIS BULLOSA SIMPLEX AND LIMB-GIRDLE MUSCULAR DYSTROPHY. Identifiers: Orphanet 257, MedGen C2931072, MONDO:0009181, OMIM 226670.

Allele frequency attached by ClinVar (database versions not stated): gnomAD exomes 0.00003 and 0.00016; TOPMed 0.00011; gnomAD 0.00014 and 0.00016; ExAC 0.00023; 1000 Genomes Project 0.00040; 1000 Genomes Project 30x 0.00047.
gnomAD v4.1: 119 of 1,603,396 alleles (0.0074%); highest among the groups gnomAD compares: East Asian, 0.098%; 3 homozygotes.

Submissions (7):

CeGaT Center for Human Genetics Tuebingen
Classification: Uncertain significance. Last evaluated: 2026-06-01. Review status: criteria provided, single submitter. Criteria: CeGaT Center For Human Genetics Tuebingen Variant Classification Criteria Version 2. Collection method: clinical testing. Allele origin: germline. Affected: yes. Observed: 1 variant allele.

Labcorp Genetics (formerly Invitae), Labcorp
Classification: Likely benign for Autosomal recessive limb-girdle muscular dystrophy type 2Q; Epidermolysis bullosa simplex, Ogna type; Epidermolysis bullosa simplex with nail dystrophy; Epidermolysis bullosa simplex 5C, with pyloric atresia; Epidermolysis bullosa simplex 5B, with muscular dystrophy. Last evaluated: 2025-10-09. Review status: criteria provided, single submitter. Criteria: Invitae Variant Classification Sherloc (09022015). Collection method: clinical testing. Allele origin: germline.

Revvity Omics, Revvity
Classification: Uncertain significance. Last evaluated: 2025-03-13. Review status: criteria provided, single submitter. Criteria: ACMG Guidelines, 2015. Collection method: clinical testing. Allele origin: germline.

Blueprint Genetics
Classification: Likely benign. Last evaluated: 2024-11-11. Review status: criteria provided, single submitter. Criteria: ACMG Guidelines, 2015. Collection method: clinical testing. Allele origin: germline.

Mayo Clinic Laboratories, Mayo Clinic
Classification: Uncertain significance. Last evaluated: 2022-11-29. Review status: criteria provided, single submitter. Criteria: ACMG Guidelines, 2015. Collection method: clinical testing. Allele origin: germline. Observed: 2 variant alleles.
Comment: PP3, PM2

GeneDx
Classification: Likely benign. Last evaluated: 2018-10-30. Review status: criteria provided, single submitter. Criteria: GeneDx Variant Classification Process June 2021. Collection method: clinical testing. Allele origin: germline. Affected: yes.
Comment: This variant is associated with the following publications: (PMID: 31269534)

Eurofins Ntd Llc (ga)
Classification: Uncertain significance. Last evaluated: 2018-07-19. Review status: criteria provided, single submitter. Criteria: EGL ClinVar v180209 classification definitions. Collection method: clinical testing. Allele origin: germline. Observed: 3 variant alleles, 3 heterozygotes.

Literature cited by the submitters: PubMed 31269534 (cited by Mayo Clinic Laboratories, Mayo Clinic).